The following is an entry in ClinVar:

ClinVar aggregate classification (germline): Uncertain significance. Review status: criteria provided, multiple submitters, no conflicts (2 of 4 stars). 2 submissions from 2 submitters: Uncertain significance (2). Last evaluated 2025-04-07.

Conditions:
MYO5B-related disorder. Also called: MYO5B-related condition.

Allele frequency attached by ClinVar (database versions not stated): gnomAD 0.00002; gnomAD exomes 0.00002; TOPMed 0.00006; ESP Exome Variant Server 0.00008.
gnomAD v4.1: 31 of 1,613,654 alleles (0.0019%); highest among the groups gnomAD compares: Admixed American, 0.012%; no homozygotes.

Submissions (2):

PreventionGenetics, part of Exact Sciences
Classification: Uncertain significance for MYO5B-related condition. Last evaluated: 2025-04-07. Review status: criteria provided, single submitter. Criteria: ACMG Guidelines, 2015. Collection method: clinical testing. Allele origin: germline.
Comment: The MYO5B c.2996G>A variant is predicted to result in the amino acid substitution p.Arg999His. To our knowledge, this variant has not been reported in the literature. This variant is reported in 0.0087% of alleles in individuals of Latino descent in gnomAD. At this time, the clinical significance of this variant is uncertain due to the absence of conclusive functional and genetic evidence.

Labcorp Genetics (formerly Invitae), Labcorp
Classification: Uncertain significance. Last evaluated: 2022-05-07. Review status: criteria provided, single submitter. Criteria: Invitae Variant Classification Sherloc (09022015). Collection method: clinical testing. Allele origin: germline.
Comment: This sequence change replaces arginine, which is basic and polar, with histidine, which is basic and polar, at codon 999 of the MYO5B protein (p.Arg999His). This variant is present in population databases (rs374195912, gnomAD 0.009%). This variant has not been reported in the literature in individuals affected with MYO5B-related conditions. Algorithms developed to predict the effect of missense changes on protein structure and function are either unavailable or do not agree on the potential impact of this missense change (SIFT: "Deleterious"; PolyPhen-2: "Possibly Damaging"; Align-GVGD: "Class C0"). In summary, the available evidence is currently insufficient to determine the role of this variant in disease. Therefore, it has been classified as a Variant of Uncertain Significance.

NM_001080467.3(MYO5B):c.2996G>A (p.Arg999His)

Gene: MYO5B (myosin VB; minus strand). Cytogenetic location: 18q21.1.
Variant type: single nucleotide variant.
Coding change: c.2996G>A on transcript NM_001080467.3 (MANE Select); coding-DNA position 2996, G replaced by A.
Protein change: p.Arg999His; replaces arginine 999 with histidine.
Molecular consequence: missense variant.
Genome position (GRCh38, 1-based): chr18:49,894,990, C>T on the plus strand (G>A on the coding strand, the complement: MYO5B is on the minus strand). VCF-style: chr18-49894990-C-T. GRCh37 (hg19) VCF-style: chr18-47421360-C-T.
Other names: c.2996G>A (NM_001080467.2); short protein forms R999H.
Identifiers: ClinVar variation 1923972 (VCV001923972.3), dbSNP rs374195912, ClinGen allele CA299976926.